The following is an entry in ClinVar:

ClinVar aggregate classification (germline): Uncertain significance. Review status: criteria provided, multiple submitters, no conflicts (2 of 4 stars). 3 submissions from 3 submitters: Uncertain significance (3). Last evaluated 2025-04-02.

Conditions:
Cardiovascular phenotype. Identifiers: MedGen CN230736.
Hereditary cancer-predisposing syndrome. Also called: Neoplastic Syndromes, Hereditary; Tumor predisposition; Hereditary neoplastic syndrome; Hereditary Cancer Syndrome. Identifiers: Orphanet 140162, MedGen C0027672, MeSH D009386, MONDO:0015356.
Noonan syndrome 10 (NS10). Identifiers: Orphanet 648, MedGen C4225280, MONDO:0014693, OMIM 616564.
LZTR1-related schwannomatosis. Also called: Schwannomatosis 2; Schwannomatosis-2, susceptibility to. Identifiers: Orphanet 93921, MedGen C3810283, MONDO:0014299, OMIM 615670.
Noonan syndrome 2 (NS2). Identifiers: Orphanet 648, MedGen C1854469, MONDO:0011531, OMIM 605275.

Allele frequency attached by ClinVar (database versions not stated): gnomAD 0.00001; gnomAD exomes 0.00001; TOPMed 0.00001.
gnomAD v4.1: 9 of 1,612,632 alleles (0.00056%); highest among the groups gnomAD compares: South Asian, 0.0022%; no homozygotes.

Submissions (3):

Labcorp Genetics (formerly Invitae), Labcorp
Classification: Uncertain significance. Last evaluated: 2025-04-02. Review status: criteria provided, single submitter. Criteria: Invitae Variant Classification Sherloc (09022015). Collection method: clinical testing. Allele origin: germline.
Comment: This sequence change replaces arginine, which is basic and polar, with cysteine, which is neutral and slightly polar, at codon 638 of the LZTR1 protein (p.Arg638Cys). This variant is present in population databases (no rsID available, gnomAD 0.003%). This missense change has been observed in individual(s) with clinical features of schwannomatosis (internal data). ClinVar contains an entry for this variant (Variation ID: 809333). Invitae Evidence Modeling of protein sequence and biophysical properties (such as structural, functional, and spatial information, amino acid conservation, physicochemical variation, residue mobility, and thermodynamic stability) indicates that this missense variant is not expected to disrupt LZTR1 protein function with a negative predictive value of 80%. In summary, the available evidence is currently insufficient to determine the role of this variant in disease. Therefore, it has been classified as a Variant of Uncertain Significance.

Ambry Genetics
Classification: Uncertain significance for Cardiovascular phenotype; Hereditary cancer-predisposing syndrome. Last evaluated: 2024-09-23. Review status: criteria provided, single submitter. Criteria: Ambry Variant Classification Scheme 2023. Collection method: clinical testing. Allele origin: germline.
Comment: The p.R638C variant (also known as c.1912C>T), located in coding exon 16 of the LZTR1 gene, results from a C to T substitution at nucleotide position 1912. The arginine at codon 638 is replaced by cysteine, an amino acid with highly dissimilar properties. This amino acid position is conserved. In addition, the in silico prediction for this alteration is inconclusive. Since supporting evidence is limited at this time, the clinical significance of this alteration remains unclear.

Fulgent Genetics
Classification: Uncertain significance for Noonan syndrome 2; LZTR1-related schwannomatosis; Noonan syndrome 10. Last evaluated: 2024-02-26. Review status: criteria provided, single submitter. Criteria: ACMG Guidelines, 2015. Collection method: clinical testing. Allele origin: germline.

NM_006767.4(LZTR1):c.1912C>T (p.Arg638Cys)

Gene: LZTR1 (leucine zipper like post translational regulator 1; plus strand). Cytogenetic location: 22q11.21.
Variant type: single nucleotide variant.
Coding change: c.1912C>T on transcript NM_006767.4 (MANE Select); coding-DNA position 1912, C replaced by T.
Protein change: p.Arg638Cys; replaces arginine 638 with cysteine.
Molecular consequence: missense variant.
Genome position (GRCh38, 1-based): chr22:20,994,996, C>T. VCF-style: chr22-20994996-C-T. GRCh37 (hg19) VCF-style: chr22-21349285-C-T.
Other names: short protein forms R638C.
Identifiers: ClinVar variation 809333 (VCV000809333.24), dbSNP rs1213535694, ClinGen allele CA410778712.